The following is an entry in ClinVar:

ClinVar aggregate classification (germline): Conflicting classifications of pathogenicity. Review status: criteria provided, conflicting classifications (1 of 4 stars). 6 submissions from 6 submitters: Uncertain significance (3); Likely benign (3). Last evaluated 2025-02-01.

Conditions:
Inborn genetic diseases. Identifiers: MedGen C0950123, MeSH D030342.
Autosomal recessive nonsyndromic hearing loss 3. Also called: NEUROSENSORY NONSYNDROMIC RECESSIVE DEAFNESS 3. Identifiers: Orphanet 90636, MedGen C1838263, MONDO:0010860, OMIM 600316.

Allele frequency attached by ClinVar (database versions not stated): ExAC 0.00007; gnomAD exomes 0.00008 and 0.00022; TOPMed 0.00010; gnomAD 0.00013 and 0.00014; ESP Exome Variant Server 0.00016.

Submissions (6):

CeGaT Center for Human Genetics Tuebingen
Classification: Uncertain significance. Last evaluated: 2025-02-01. Review status: criteria provided, single submitter. Criteria: CeGaT Center For Human Genetics Tuebingen Variant Classification Criteria Version 2. Collection method: clinical testing. Allele origin: germline. Affected: yes. Observed: 1 variant allele.
Comment: MYO15A: PM2, BP4

Ambry Genetics
Classification: Likely benign for Inborn genetic diseases. Last evaluated: 2024-06-02. Review status: criteria provided, single submitter. Criteria: Ambry Variant Classification Scheme 2023. Collection method: clinical testing. Allele origin: germline.

Labcorp Genetics (formerly Invitae), Labcorp
Classification: Uncertain significance. Last evaluated: 2021-08-30. Review status: criteria provided, single submitter. Criteria: Invitae Variant Classification Sherloc (09022015). Collection method: clinical testing. Allele origin: germline.
Comment: This sequence change replaces histidine with tyrosine at codon 277 of the MYO15A protein (p.His277Tyr). The histidine residue is moderately conserved and there is a moderate physicochemical difference between histidine and tyrosine. This variant is present in population databases (rs201541616, ExAC 0.01%). This variant has not been reported in the literature in individuals affected with MYO15A-related conditions. ClinVar contains an entry for this variant (Variation ID: 227653). Advanced modeling of protein sequence and biophysical properties (such as structural, functional, and spatial information, amino acid conservation, physicochemical variation, residue mobility, and thermodynamic stability) performed at Invitae indicates that this missense variant is not expected to disrupt MYO15A protein function. In summary, the available evidence is currently insufficient to determine the role of this variant in disease. Therefore, it has been classified as a Variant of Uncertain Significance.

GeneDx
Classification: Likely benign. Last evaluated: 2020-12-15. Review status: criteria provided, single submitter. Criteria: GeneDx Variant Classification Process June 2021. Collection method: clinical testing. Allele origin: germline. Affected: yes.

Illumina Laboratory Services, Illumina
Classification: Uncertain significance for Autosomal recessive nonsyndromic hearing loss 3. Last evaluated: 2018-01-13. Review status: criteria provided, single submitter. Criteria: ICSL Variant Classification Criteria 13 December 2019. Collection method: clinical testing. Allele origin: germline.

Laboratory for Molecular Medicine, Mass General Brigham Personalized Medicine
Classification: Likely benign. Last evaluated: 2015-08-12. Review status: criteria provided, single submitter. Criteria: LMM Criteria. Collection method: clinical testing. Allele origin: germline. Observed: 1 variant allele.
Comment: p.His277Tyr in exon 2 of MYO15A: This variant is not expected to have clinical significance due to a lack of conservation across species, with greater than 20 mammals having a tyrosine (Tyr) at this position despite high nearby amino acid conservation. It has been identified in 8/63952 of European chromosomes by the E xome Aggregation Consortium (ExAC; rs201541616).

NM_016239.4(MYO15A):c.829C>T (p.His277Tyr)

Gene: MYO15A (myosin XVA; plus strand). Cytogenetic location: 17p11.2.
Variant type: single nucleotide variant.
Coding change: c.829C>T on transcript NM_016239.4 (MANE Select); coding-DNA position 829, C replaced by T.
Protein change: p.His277Tyr; replaces histidine 277 with tyrosine.
Molecular consequence: missense variant.
Genome position (GRCh38, 1-based): chr17:18,119,629, C>T. VCF-style: chr17-18119629-C-T. GRCh37 (hg19) VCF-style: chr17-18022943-C-T.
Other names: short protein forms H277Y.
Identifiers: ClinVar variation 227653 (VCV000227653.27), dbSNP rs201541616, ClinGen allele CA8422944.